The following is an entry in ClinVar:

ClinVar aggregate classification (germline): Pathogenic (1 of 4 stars; one submission).

Conditions:
Cortical dysplasia-focal epilepsy syndrome (PTHSL1). Also called: Pitt-Hopkins-like syndrome 1. Identifiers: Orphanet 163681, Orphanet 221150, MedGen C2750246, MONDO:0012400, OMIM 610042.

Submission:

Labcorp Genetics (formerly Invitae), Labcorp
Classification: Pathogenic for Cortical dysplasia-focal epilepsy syndrome. Last evaluated: 2024-09-12. Review status: criteria provided, single submitter. Criteria: Invitae Variant Classification Sherloc (09022015). Collection method: clinical testing. Allele origin: germline.
Comment: This sequence change creates a premature translational stop signal (p.Glu683Argfs*62) in the CNTNAP2 gene. It is expected to result in an absent or disrupted protein product. Loss-of-function variants in CNTNAP2 are known to be pathogenic (PMID: 19896112, 21827697, 25045150, 26843181, 27439707). This variant is not present in population databases (gnomAD no frequency). This variant has not been reported in the literature in individuals affected with CNTNAP2-related conditions. For these reasons, this variant has been classified as Pathogenic.

Literature cited by the submitters: PubMed 19896112; PubMed 21827697; PubMed 25045150; PubMed 26843181; PubMed 27439707.

NM_014141.6(CNTNAP2):c.2046dup (p.Glu683fs)

Gene: CNTNAP2 (contactin associated protein 2; plus strand). Cytogenetic location: 7q35.
Variant type: Duplication.
Coding change: c.2046dup on transcript NM_014141.6 (MANE Select); coding-DNA position 2046, one base duplicated (C; older notation c.2046dupC).
Protein change: p.Glu683fs; shifts the reading frame from glutamic acid 683.
Molecular consequence: frameshift variant.
Genome position (GRCh38, 1-based): chr7:147,639,254, C duplicated. VCF-style (leftmost placement, unchanged base first): chr7-147639253-G-GC. GRCh37 (hg19) VCF-style: chr7-147336345-G-GC.
Other names: short protein forms E683fs.
Identifiers: ClinVar variation 3711339 (VCV003711339.2).